The following is an entry in ClinVar:

NM_006922.4(SCN3A):c.2875_2881del (p.Met959fs)

Gene: SCN3A (sodium voltage-gated channel alpha subunit 3; minus strand). Cytogenetic location: 2q24.3.
Variant type: Deletion.
Coding change: c.2875_2881del on transcript NM_006922.4 (MANE Select); coding-DNA positions 2875 to 2881, 7 bases deleted (ATGTGCC; older notation c.2875_2881delATGTGCC).
Protein change: p.Met959fs; shifts the reading frame from methionine 959.
Molecular consequence: frameshift variant.
Genome position (GRCh38, 1-based): chr2:165,129,981-165,129,987, GGCACAT deleted on the plus strand (ATGTGCC on the coding strand, the reverse complement: SCN3A is on the minus strand); deleting any 7 consecutive bases within chr2:165,129,981-165,129,989 gives the same sequence; the c. name uses the placement nearest the transcript's 3' end. VCF-style (leftmost placement, unchanged base first): chr2-165129980-AGGCACAT-A. GRCh37 (hg19) VCF-style: chr2-165986490-AGGCACAT-A.
Other names: c.2728_2734del, p.Met910fs (NM_001081676.2, NM_001081677.2); short protein forms M910fs, M959fs.
Identifiers: ClinVar variation 4532302 (VCV004532302.1).
Genomic context (GRCh38, chr2:165,129,980, plus strand): 5'-CATTTGTACTACATACATACCACAAGGTTTCCAATGACCATGACCAACATGAAAACAATA[AGGCACAT>A]GGTTTGGCCAGCGACCTCCATACAGTCCCACATGGTCTCTATCCACTCTCCACACAGCAC-3'

ClinVar aggregate classification (germline): Uncertain significance (1 of 4 stars; one submission).

Submission:

GeneDx
Classification: Uncertain significance. Last evaluated: 2025-05-31. Review status: criteria provided, single submitter. Criteria: GeneDx Variant Classification Process June 2021. Collection method: clinical testing. Allele origin: germline. Affected: yes.
Comment: Not observed at significant frequency in large population cohorts (gnomAD); Frameshift variant predicted to result in protein truncation or nonsense mediated decay in a gene or region of a gene for which loss of function is not a well-established mechanism of disease; Has not been previously published as pathogenic or benign to our knowledge